The following is an entry in ClinVar:

NM_024854.5(PYROXD1):c.1290A>G (p.Leu430=)

Gene: PYROXD1 (pyridine nucleotide-disulphide oxidoreductase domain 1; plus strand). Cytogenetic location: 12p12.1.
Variant type: single nucleotide variant.
Coding change: c.1290A>G on transcript NM_024854.5 (MANE Select); coding-DNA position 1290, A replaced by G.
Protein change: p.Leu430=; no amino-acid change (leucine 430 retained).
Molecular consequence: synonymous variant.
Genome position (GRCh38, 1-based): chr12:21,468,541, A>G. VCF-style: chr12-21468541-A-G. GRCh37 (hg19) VCF-style: chr12-21621475-A-G.
Other names: c.1077A>G, p.Leu359= (NM_001350912.2); c.513A>G, p.Leu171= (NM_001350913.2).
Identifiers: ClinVar variation 2888992 (VCV002888992.11), dbSNP rs375076016, ClinGen allele CA6478529.

ClinVar aggregate classification (germline): Likely benign. Review status: criteria provided, multiple submitters, no conflicts (2 of 4 stars). 2 submissions from 2 submitters: Likely benign (2). Last evaluated 2025-10-02.

Allele frequency attached by ClinVar (database versions not stated): ExAC 0.00001; gnomAD exomes 0.00002; TOPMed 0.00005; gnomAD 0.00006; ESP Exome Variant Server 0.00008; 1000 Genomes Project 30x 0.00031.
gnomAD v4.1: 32 of 1,612,764 alleles (0.002%); highest among the groups gnomAD compares: African/African-American, 0.0027%; no homozygotes.

Submissions (2):

Labcorp Genetics (formerly Invitae), Labcorp
Classification: Likely benign. Last evaluated: 2025-10-02. Review status: criteria provided, single submitter. Criteria: Invitae Variant Classification Sherloc (09022015). Collection method: clinical testing. Allele origin: germline.

CeGaT Center for Human Genetics Tuebingen
Classification: Likely benign. Last evaluated: 2025-07-01. Review status: criteria provided, single submitter. Criteria: CeGaT Center For Human Genetics Tuebingen Variant Classification Criteria Version 2. Collection method: clinical testing. Allele origin: germline. Affected: yes. Observed: 1 variant allele.
Comment: PYROXD1: BP4, BP7